The following is an entry in ClinVar:

ClinVar aggregate classification (germline): Uncertain significance. Review status: criteria provided, multiple submitters, no conflicts (2 of 4 stars). 2 submissions from 2 submitters: Uncertain significance (2). Last evaluated 2022-08-02.

Conditions:
Inborn genetic diseases. Identifiers: MedGen C0950123, MeSH D030342.
Peroxisome biogenesis disorder. Identifiers: Orphanet 79189, MedGen C1832200, MONDO:0019234. Disease mechanism: loss of function.

Submissions (2):

Ambry Genetics
Classification: Uncertain significance for Inborn genetic diseases. Last evaluated: 2022-08-02. Review status: criteria provided, single submitter. Criteria: Ambry Variant Classification Scheme 2023. Collection method: clinical testing. Allele origin: germline.

Labcorp Genetics (formerly Invitae), Labcorp
Classification: Uncertain significance for Peroxisome biogenesis disorder. Last evaluated: 2022-02-27. Review status: criteria provided, single submitter. Criteria: Invitae Variant Classification Sherloc (09022015). Collection method: clinical testing. Allele origin: germline.
Comment: This sequence change replaces glycine, which is neutral and non-polar, with aspartic acid, which is acidic and polar, at codon 239 of the PEX16 protein (p.Gly239Asp). This variant is not present in population databases (gnomAD no frequency). This variant has not been reported in the literature in individuals affected with PEX16-related conditions. Algorithms developed to predict the effect of missense changes on protein structure and function are either unavailable or do not agree on the potential impact of this missense change (SIFT: "Deleterious"; PolyPhen-2: "Probably Damaging"; Align-GVGD: "Class C0"). In summary, the available evidence is currently insufficient to determine the role of this variant in disease. Therefore, it has been classified as a Variant of Uncertain Significance.

NM_004813.4(PEX16):c.716G>A (p.Gly239Asp)

Gene: PEX16 (peroxisomal biogenesis factor 16; minus strand). Cytogenetic location: 11p11.2.
Variant type: single nucleotide variant.
Coding change: c.716G>A on transcript NM_004813.4 (MANE Select); coding-DNA position 716, G replaced by A.
Protein change: p.Gly239Asp; replaces glycine 239 with aspartic acid.
Molecular consequence: missense variant.
Genome position (GRCh38, 1-based): chr11:45,914,182, C>T on the plus strand (G>A on the coding strand, the complement: PEX16 is on the minus strand). VCF-style: chr11-45914182-C-T. GRCh37 (hg19) VCF-style: chr11-45935733-C-T.
Other names: c.716G>A, p.Gly239Asp (NM_057174.3); short protein forms G239D.
Identifiers: ClinVar variation 2104118 (VCV002104118.2), dbSNP rs2494894732, ClinGen allele CA380226825.